The following is an entry in ClinVar:

ClinVar aggregate classification (germline): Likely benign (0 of 4 stars; one submission).

Conditions:
HSD3B7-related disorder. Also called: HSD3B7-related condition.

gnomAD v4.1: 7 of 1,604,366 alleles (0.00044%); highest among the groups gnomAD compares: African/African-American, 0.0013%; no homozygotes.

Submission:

PreventionGenetics, part of Exact Sciences
Classification: Likely benign for HSD3B7-related condition. Last evaluated: 2022-08-16. Review status: no assertion criteria provided. Collection method: clinical testing. Allele origin: germline.
Comment: This variant is classified as likely benign based on ACMG/AMP sequence variant interpretation guidelines (Richards et al. 2015 PMID: 25741868, with internal and published modifications).

NM_025193.4(HSD3B7):c.6C>A (p.Ala2=)

Gene: HSD3B7 (hydroxy-delta-5-steroid dehydrogenase, 3 beta- and steroid delta-isomerase 7; plus strand). Cytogenetic location: 16p11.2.
Variant type: single nucleotide variant.
Coding change: c.6C>A on transcript NM_025193.4 (MANE Select); coding-DNA position 6, C replaced by A.
Protein change: p.Ala2=; no amino-acid change (alanine 2 retained).
Molecular consequence: synonymous variant.
Genome position (GRCh38, 1-based): chr16:30,985,664, C>A. VCF-style: chr16-30985664-C-A. GRCh37 (hg19) VCF-style: chr16-30996985-C-A.
Other names: c.6C>A, p.Ala2= (NM_001142777.2, NM_001142778.2).
Identifiers: ClinVar variation 3046841 (VCV003046841.2), dbSNP rs775137861, ClinGen allele CA494919921.
Genomic context (GRCh38, chr16:30,985,664, plus strand): 5'-TGCAGCAGGTGGCAGCCAGCCCCTGGATGAGCCAAGGTCTCTTCCCCAGCCAGGCATGGC[C>A]GACTCTGCACAGGCCCAGAAGCTGGTGTACCTGGTCACAGGGGGCTGTGGCTTCCTGGGA-3'
Protein context (NP_079469.2, residues 1-12): M[Ala2=]DSAQAQKLVY